The following is an entry in ClinVar:

NM_006514.4(SCN10A):c.715C>T (p.Leu239=)

Gene: SCN10A (sodium voltage-gated channel alpha subunit 10; minus strand). Cytogenetic location: 3p22.2.
Variant type: single nucleotide variant.
Coding change: c.715C>T on transcript NM_006514.4 (MANE Select); coding-DNA position 715, C replaced by T.
Protein change: p.Leu239=; no amino-acid change (leucine 239 retained).
Molecular consequence: synonymous variant.
Genome position (GRCh38, 1-based): chr3:38,761,360, G>A on the plus strand (C>T on the coding strand, the complement: SCN10A is on the minus strand). VCF-style: chr3-38761360-G-A. GRCh37 (hg19) VCF-style: chr3-38802851-G-A.
Other names: c.715C>T, p.Leu239= (NM_001293306.2, NM_001293307.2); c.715C>T (NM_006514.3).
Identifiers: ClinVar variation 1585005 (VCV001585005.12), dbSNP rs369923291, ClinGen allele CA2321087.

ClinVar aggregate classification (germline): Benign/Likely benign. Review status: criteria provided, multiple submitters, no conflicts (2 of 4 stars). 4 submissions from 4 submitters: Benign (1); Likely benign (3). Last evaluated 2026-08-03.

Conditions:
Brugada syndrome. Also called: Sudden unexpected nocturnal death syndrome; Sudden unexplained nocturnal death syndrome; Sudden Unexplained Death Syndrome; Sudden Unexplained Nocturnal Death Syndrome (SUNDS). Identifiers: Orphanet 130, MedGen C1142166, MONDO:0015263.
SCN10A-related disorder. Also called: SCN10A-related condition.
Cardiovascular phenotype. Identifiers: MedGen CN230736.

Allele frequency attached by ClinVar (database versions not stated): gnomAD exomes 0.00002 and 0.00005; ExAC 0.00007; gnomAD 0.00007 and 0.00008; ESP Exome Variant Server 0.00008; TOPMed 0.00011.
gnomAD v4.1: 43 of 1,613,586 alleles (0.0027%); highest among the groups gnomAD compares: South Asian, 0.02%; no homozygotes.

Submissions (4):

PreventionGenetics, part of Exact Sciences
Classification: Likely benign for SCN10A-related condition. Last evaluated: 2026-08-03. Review status: criteria provided, single submitter. Criteria: ACMG Guidelines, 2015. Collection method: clinical testing. Allele origin: germline.
Comment: This variant is classified as likely benign based on ACMG/AMP sequence variant interpretation guidelines (Richards et al. 2015 PMID: 25741868, with internal and published modifications).

Labcorp Genetics (formerly Invitae), Labcorp
Classification: Likely benign for Brugada syndrome. Last evaluated: 2025-09-08. Review status: criteria provided, single submitter. Criteria: Invitae Variant Classification Sherloc (09022015). Collection method: clinical testing. Allele origin: germline.

Women's Health and Genetics/Laboratory Corporation of America, LabCorp
Classification: Benign. Last evaluated: 2024-11-10. Review status: criteria provided, single submitter. Criteria: LabCorp Variant Classification Summary - May 2015. Collection method: clinical testing. Allele origin: germline.

Ambry Genetics
Classification: Likely benign for Cardiovascular phenotype. Last evaluated: 2021-09-21. Review status: criteria provided, single submitter. Criteria: Ambry Variant Classification Scheme 2023. Collection method: clinical testing. Allele origin: germline.